The following is an entry in ClinVar:

NM_000069.3(CACNA1S):c.930del (p.Trp311fs)

Gene: CACNA1S (calcium voltage-gated channel subunit alpha1 S; minus strand). Cytogenetic location: 1q32.1.
Variant type: Deletion.
Coding change: c.930del on transcript NM_000069.3 (MANE Select); coding-DNA position 930, one base deleted (C; older notation c.930delC).
Protein change: p.Trp311fs; shifts the reading frame from tryptophan 311.
Molecular consequence: frameshift variant.
Genome position (GRCh38, 1-based): chr1:201,087,900, G deleted on the plus strand (C on the coding strand, the reverse complement: CACNA1S is on the minus strand); the first of 3 consecutive G bases (chr1:201,087,900-201,087,902); deleting any one gives the same sequence. VCF-style (leftmost placement, unchanged base first): chr1-201087899-AG-A. GRCh37 (hg19) VCF-style: chr1-201057027-AG-A.
Other names: short protein forms W311fs.
Identifiers: ClinVar variation 4759074 (VCV004759074.1).

ClinVar aggregate classification (germline): Uncertain significance (1 of 4 stars; one submission).

Conditions:
Malignant hyperthermia, susceptibility to, 5 (MHS5). Also called: CACNA1S-Related Malignant Hyperthermia Susceptibility. Identifiers: Orphanet 423, MedGen C1866077, MONDO:0011163, OMIM 601887.

Submission:

Color Diagnostics, LLC DBA Color Health
Classification: Uncertain significance for Malignant hyperthermia, susceptibility to, 5. Last evaluated: 2025-08-05. Review status: criteria provided, single submitter. Criteria: ACMG Guidelines, 2015. Collection method: clinical testing. Allele origin: germline.
Comment: This variant deletes 1 nucleotide in exon 7 of the CACNA1S gene, creating a frameshift and premature translation stop signal. This variant is expected to result in an absent protein product. To our knowledge, this variant has not been reported in individuals affected with CACNA1S-related disorders in the literature. This variant has not been identified in the general population by the Genome Aggregation Database (gnomAD). Loss of CACNA1S gene function due to haploinsufficiency is not an established disease mechanism for autosomal dominant malignant hyperthermia susceptibility. Therefore, this variant is classified as a Variant of Uncertain Significance.